The following is an entry in ClinVar:

NM_001220.5(CAMK2B):c.1059+6G>A

Gene: CAMK2B (calcium/calmodulin dependent protein kinase II beta; minus strand). Cytogenetic location: 7p13.
Variant type: single nucleotide variant.
Coding change: c.1059+6G>A on transcript NM_001220.5 (MANE Select); 6 bases into the intron after coding-DNA position 1059, G replaced by A.
Molecular consequence: intron variant.
Genome position (GRCh38, 1-based): chr7:44,234,633, C>T on the plus strand (G>A on the coding strand, the complement: CAMK2B is on the minus strand). VCF-style: chr7-44234633-C-T. GRCh37 (hg19) VCF-style: chr7-44274232-C-T.
Other names: c.946+6074G>A (NM_172084.3); c.984+6G>A (NM_172080.3); c.987+6G>A (NM_172083.3, NM_172081.3, NM_172079.3); c.1059+6G>A (NM_172082.3, NM_001293170.2, NM_172078.3).
Identifiers: ClinVar variation 1404156 (VCV001404156.8), dbSNP rs747472065, ClinGen allele CA4240500.
Genomic context (GRCh38, chr7:44,234,633, plus strand): 5'-AGGGCGTGGGGGTGAAGCTGCAGGCTCTGGGCTCCCCGGCACCACAGGGCCCGGCTGGAG[C>T]CTCACCTTGACTCCATCTGCTTTCTTGTTGAGTAAACTCTTGGCTGCTGCATGGGGAGGA-3'

ClinVar aggregate classification (germline): Conflicting classifications of pathogenicity. Review status: criteria provided, conflicting classifications (1 of 4 stars). 2 submissions from 2 submitters: Uncertain significance (1); Benign (1). Last evaluated 2026-02-05.

Allele frequency attached by ClinVar (database versions not stated): gnomAD exomes below 0.00001 and 0.00002; ExAC 0.00002; gnomAD 0.00009 and 0.00010; TOPMed 0.00009.
gnomAD v4.1: 18 of 1,613,840 alleles (0.0011%); highest among the groups gnomAD compares: African/African-American, 0.024%; no homozygotes.

Submissions (2):

Women's Health and Genetics/Laboratory Corporation of America, LabCorp
Classification: Uncertain significance. Last evaluated: 2026-02-05. Review status: criteria provided, single submitter. Criteria: LabCorp Variant Classification Summary - May 2015. Collection method: clinical testing. Allele origin: germline.
Comment: Variant summary: CAMK2B c.1059+6G>A alters a conserved nucleotide located close to a canonical splice site and therefore could affect mRNA splicing, leading to a significantly altered protein sequence. Consensus agreement among computation tools predict no significant impact on normal splicing. However, these predictions have yet to be confirmed by functional studies. The variant allele was found at a frequency of 2e-05 in 250864 control chromosomes. The available data on variant occurrences in the general population are insufficient to allow any conclusion about variant significance. To our knowledge, no occurrence of c.1059+6G>A in individuals affected with CAMK2B-related conditions and no experimental evidence demonstrating its impact on protein function have been reported. ClinVar contains an entry for this variant (Variation ID: 1404156). Based on the evidence outlined above, the variant was classified as uncertain significance.

Labcorp Genetics (formerly Invitae), Labcorp
Classification: Benign. Last evaluated: 2025-09-03. Review status: criteria provided, single submitter. Criteria: Invitae Variant Classification Sherloc (09022015). Collection method: clinical testing. Allele origin: germline.